The following is an entry in ClinVar:

ClinVar aggregate classification (germline): Uncertain significance. Review status: criteria provided, multiple submitters, no conflicts (2 of 4 stars). 2 submissions from 2 submitters: Uncertain significance (2). Last evaluated 2022-08-01.

Conditions:
Shukla-Vernon syndrome. Identifiers: MedGen C5193146, MONDO:0026727, OMIM 301029.

Allele frequency attached by ClinVar (database versions not stated): gnomAD exomes 0.00001; TOPMed 0.00001.
gnomAD v4.1: 18 of 1,210,877 alleles (0.0015%); highest among the groups gnomAD compares: Middle Eastern, 0.023%; no homozygotes.

Submissions (2):

CeGaT Center for Human Genetics Tuebingen
Classification: Uncertain significance. Last evaluated: 2022-08-01. Review status: criteria provided, single submitter. Criteria: CeGaT Center For Human Genetics Tuebingen Variant Classification Criteria Version 2. Collection method: clinical testing. Allele origin: germline. Affected: yes. Observed: 1 variant allele.
Comment: BCORL1: PM2, BP4

Revvity Omics, Revvity
Classification: Uncertain significance for Shukla-Vernon syndrome. Last evaluated: 2021-06-28. Review status: criteria provided, single submitter. Criteria: ACMG Guidelines, 2015. Collection method: clinical testing. Allele origin: germline.

NM_001379451.1(BCORL1):c.2047A>G (p.Thr683Ala)

Gene: BCORL1 (BCL6 corepressor like 1; plus strand). Cytogenetic location: Xq26.1.
Variant type: single nucleotide variant.
Coding change: c.2047A>G on transcript NM_001379451.1 (MANE Select); coding-DNA position 2047, A replaced by G.
Protein change: p.Thr683Ala; replaces threonine 683 with alanine.
Molecular consequence: missense variant.
Genome position (GRCh38, 1-based): chrX:130,014,819, A>G. VCF-style: chrX-130014819-A-G. GRCh37 (hg19) VCF-style: chrX-129148795-A-G.
Other names: c.2047A>G, p.Thr683Ala (NM_001184772.3, NM_001379450.1, NM_021946.5); short protein forms T683A.
Identifiers: ClinVar variation 2439496 (VCV002439496.27), dbSNP rs1376395740, ClinGen allele CA414588214.